The following is an entry in ClinVar:

NM_001005498.4(RHBDF2):c.1638+7G>A

Gene: RHBDF2 (rhomboid 5 homolog 2; minus strand). Cytogenetic location: 17q25.1.
Variant type: single nucleotide variant.
Coding change: c.1638+7G>A on transcript NM_001005498.4 (MANE Select); 7 bases into the intron after coding-DNA position 1638, G replaced by A.
Molecular consequence: intron variant.
Genome position (GRCh38, 1-based): chr17:76,473,832, C>T on the plus strand (G>A on the coding strand, the complement: RHBDF2 is on the minus strand). VCF-style: chr17-76473832-C-T. GRCh37 (hg19) VCF-style: chr17-74469914-C-T.
Other names: c.1725+7G>A (NM_024599.5); c.1638+7G>A (NM_001376230.1, NM_001376228.1, NM_001376229.1).
Identifiers: ClinVar variation 325433 (VCV000325433.11), dbSNP rs201989863, ClinGen allele CA8786922.

ClinVar aggregate classification (germline): Benign/Likely benign. Review status: criteria provided, multiple submitters, no conflicts (2 of 4 stars). 4 submissions from 4 submitters: Benign (3); Likely benign (1). Last evaluated 2026-04-01.

Conditions:
Palmoplantar keratoderma-esophageal carcinoma syndrome (TOC). Also called: Tylosis with Esophageal Cancer; KERATOSIS PALMARIS ET PLANTARIS WITH ESOPHAGEAL CANCER; PALMOPLANTAR KERATODERMA WITH ESOPHAGEAL CANCER. Identifiers: Orphanet 2198, MedGen C1835664, MONDO:0007856, OMIM 148500.

Allele frequency attached by ClinVar (database versions not stated): gnomAD 0.00050 and 0.00019; gnomAD exomes 0.00084 and 0.00161; ExAC 0.00168; 1000 Genomes Project 30x 0.00219; 1000 Genomes Project 0.00240; ESP Exome Variant Server 0.00023; TOPMed 0.00030.
gnomAD v4.1: 1,312 of 1,614,028 alleles (0.081%); highest among the groups gnomAD compares: South Asian, 1.1%; 20 homozygotes.

Submissions (4):

CeGaT Center for Human Genetics Tuebingen
Classification: Benign. Last evaluated: 2026-04-01. Review status: criteria provided, single submitter. Criteria: CeGaT Center For Human Genetics Tuebingen Variant Classification Criteria Version 2. Collection method: clinical testing. Allele origin: germline. Affected: yes. Observed: 1 variant allele.
Comment: RHBDF2: BP4, BS1, BS2

Labcorp Genetics (formerly Invitae), Labcorp
Classification: Benign. Last evaluated: 2025-09-08. Review status: criteria provided, single submitter. Criteria: Invitae Variant Classification Sherloc (09022015). Collection method: clinical testing. Allele origin: germline.

KCCC/NGS Laboratory, Kuwait Cancer Control Center
Classification: Likely benign for Palmoplantar keratoderma-esophageal carcinoma syndrome. Last evaluated: 2023-07-07. Review status: criteria provided, single submitter. Criteria: ACMG Guidelines, 2015. Collection method: clinical testing. Allele origin: germline. Affected: yes.

Illumina Laboratory Services, Illumina
Classification: Benign for Palmoplantar keratoderma-esophageal carcinoma syndrome. Last evaluated: 2018-01-13. Review status: criteria provided, single submitter. Criteria: ICSL Variant Classification Criteria 13 December 2019. Collection method: clinical testing. Allele origin: germline.
Comment: This variant was observed in the ICSL laboratory as part of a predisposition screen in an ostensibly healthy population. It had not been previously curated by ICSL or reported in the Human Gene Mutation Database (HGMD: prior to June 1st, 2018), and was therefore a candidate for classification through an automated scoring system. Utilizing variant allele frequency, disease prevalence and penetrance estimates, and inheritance mode, an automated score was calculated to assess if this variant is too frequent to cause the disease. Based on the score and internal cut-off values, a variant classified as benign is not then subjected to further curation. The score for this variant resulted in a classification of benign for this disease.